The following is an entry in ClinVar:

NM_001379110.1(SLC9A6):c.1550+1G>A

Gene: SLC9A6 (solute carrier family 9 member A6; plus strand). Cytogenetic location: Xq26.3.
Variant type: single nucleotide variant.
Coding change: c.1550+1G>A on transcript NM_001379110.1 (MANE Select); the canonical splice donor site of the intron after coding-DNA position 1550, G replaced by A.
Molecular consequence: splice donor variant. On other transcripts: intron variant (9).
Genome position (GRCh38, 1-based): chrX:136,028,976, G>A. VCF-style: chrX-136028976-G-A. GRCh37 (hg19) VCF-style: chrX-135111135-G-A.
Other names: c.1461-1156G>A (NM_001177651.2, NM_001400912.1, NM_001400909.1 and 2 more transcripts); c.1365-1156G>A (NM_001400913.1, NM_001330652.2); c.1706+1G>A (NM_001438742.1); c.1617-1156G>A (NM_001042537.2); c.1521-1156G>A (NM_006359.3).
Identifiers: ClinVar variation 4076181 (VCV004076181.1).
Genomic context (GRCh38, chrX:136,028,976, plus strand): 5'-TGAATTGAGACATGGCCTTTACCCTCAAGGAACTCACAGTCTTTTTGGGGAGACTGACAG[G>A]TAAATAACTATACTCTACTGTGCTAAGTATCATAATAAAGGACTGTAGAAAGTGCTGCAG-3'

ClinVar aggregate classification (germline): Uncertain significance (1 of 4 stars; one submission).

Conditions:
Christianson syndrome (MRXSCH). Also called: X-linked mental retardation, syndromic, Christianson type; INTELLECTUAL DEVELOPMENTAL DISORDER, X-LINKED, SYNDROMIC, CHRISTIANSON TYPE; SLC9A6-Related Syndromic Mental Retardation. Identifiers: Orphanet 85278, MedGen C2678194, MONDO:0010278, OMIM 300243.

Submission:

Laboratorio de Genetica e Diagnostico Molecular, Hospital Israelita Albert Einstein
Classification: Uncertain significance for Christianson syndrome. Last evaluated: 2023-04-14. Review status: criteria provided, single submitter. Criteria: ACMG Guidelines, 2015. Collection method: clinical testing. Allele origin: germline. Affected: yes.
Comment: ACMG classification criteria: PM2 moderate